The following is an entry in ClinVar:

NM_006341.4(MAD2L2):c.354T>A (p.His118Gln)

Gene: MAD2L2 (mitotic arrest deficient 2 like 2; minus strand). Cytogenetic location: 1p36.22.
Variant type: single nucleotide variant.
Coding change: c.354T>A on transcript NM_006341.4 (MANE Select); coding-DNA position 354, T replaced by A.
Protein change: p.His118Gln; replaces histidine 118 with glutamine.
Molecular consequence: missense variant.
Genome position (GRCh38, 1-based): chr1:11,676,119, A>T on the plus strand (T>A on the coding strand, the complement: MAD2L2 is on the minus strand). VCF-style: chr1-11676119-A-T. GRCh37 (hg19) VCF-style: chr1-11736176-A-T.
Other names: c.354T>A, p.His118Gln (NM_001127325.2); short protein forms H118Q.
Identifiers: ClinVar variation 2897381 (VCV002897381.3), dbSNP rs542007676, ClinGen allele CA593762.

ClinVar aggregate classification (germline): Uncertain significance (1 of 4 stars; one submission).

gnomAD v4.1: 8 of 1,607,498 alleles (0.0005%); highest among the groups gnomAD compares: Admixed American, 0.0017%; no homozygotes.

Submission:

Labcorp Genetics (formerly Invitae), Labcorp
Classification: Uncertain significance. Last evaluated: 2025-07-22. Review status: criteria provided, single submitter. Criteria: Invitae Variant Classification Sherloc (09022015). Collection method: clinical testing. Allele origin: germline.
Comment: This sequence change replaces histidine, which is basic and polar, with glutamine, which is neutral and polar, at codon 118 of the MAD2L2 protein (p.His118Gln). This variant is present in population databases (rs542007676, gnomAD 0.007%). This variant has not been reported in the literature in individuals affected with MAD2L2-related conditions. ClinVar contains an entry for this variant (Variation ID: 2897381). An algorithm developed to predict the effect of missense changes on protein structure and function (PolyPhen-2) suggests that this variant is likely to be tolerated. In summary, the available evidence is currently insufficient to determine the role of this variant in disease. Therefore, it has been classified as a Variant of Uncertain Significance.